The following is an entry in ClinVar:

ClinVar aggregate classification (germline): Conflicting classifications of pathogenicity. Review status: criteria provided, conflicting classifications (1 of 4 stars). 3 submissions from 3 submitters: Uncertain significance (2); Likely benign (1). Last evaluated 2025-04-01.

Conditions:
Hereditary cancer-predisposing syndrome. Also called: Hereditary neoplastic syndrome; Neoplastic Syndromes, Hereditary; Tumor predisposition; Hereditary Cancer Syndrome. Identifiers: Orphanet 140162, MedGen C0027672, MeSH D009386, MONDO:0015356.
Familial cancer of breast. Also called: Hereditary breast cancer; BREAST CANCER, FAMILIAL; hereditary breast carcinoma. Identifiers: Orphanet 227535, MedGen C0346153, MONDO:0016419, OMIM 114480. Disease mechanism: loss of function.

Submissions (3):

Ambry Genetics
Classification: Likely benign for Hereditary cancer-predisposing syndrome. Last evaluated: 2025-04-01. Review status: criteria provided, single submitter. Criteria: Ambry Variant Classification Scheme 2023. Collection method: clinical testing. Allele origin: germline.

Labcorp Genetics (formerly Invitae), Labcorp
Classification: Uncertain significance for Familial cancer of breast. Last evaluated: 2024-10-01. Review status: criteria provided, single submitter. Criteria: Invitae Variant Classification Sherloc (09022015). Collection method: clinical testing. Allele origin: germline.
Comment: This sequence change replaces alanine, which is neutral and non-polar, with threonine, which is neutral and polar, at codon 413 of the BARD1 protein (p.Ala413Thr). This variant is not present in population databases (gnomAD no frequency). This variant has not been reported in the literature in individuals affected with BARD1-related conditions. ClinVar contains an entry for this variant (Variation ID: 1678795). An algorithm developed to predict the effect of missense changes on protein structure and function outputs the following: PolyPhen-2: "Benign". The threonine amino acid residue is found in multiple mammalian species, which suggests that this missense change does not adversely affect protein function. In summary, the available evidence is currently insufficient to determine the role of this variant in disease. Therefore, it has been classified as a Variant of Uncertain Significance.

GeneDx
Classification: Uncertain significance. Last evaluated: 2022-04-13. Review status: criteria provided, single submitter. Criteria: GeneDx Variant Classification Process June 2021. Collection method: clinical testing. Allele origin: germline. Affected: yes.
Comment: Not observed at significant frequency in large population cohorts (gnomAD); In silico analysis supports that this missense variant does not alter protein structure/function; Has not been previously published as a germline pathogenic or benign variant to our knowledge; This variant is associated with the following publications: (PMID: 26738429, 29292755)

NM_000465.4(BARD1):c.1237G>A (p.Ala413Thr)

Gene: BARD1 (BRCA1 associated RING domain 1; minus strand). Cytogenetic location: 2q35.
Variant type: single nucleotide variant.
Coding change: c.1237G>A on transcript NM_000465.4 (MANE Select); coding-DNA position 1237, G replaced by A.
Protein change: p.Ala413Thr; replaces alanine 413 with threonine.
Molecular consequence: missense variant. On other transcripts: non-coding transcript variant (2), intron variant (3).
Genome position (GRCh38, 1-based): chr2:214,780,637, C>T on the plus strand (G>A on the coding strand, the complement: BARD1 is on the minus strand). VCF-style: chr2-214780637-C-T. GRCh37 (hg19) VCF-style: chr2-215645361-C-T.
Other names: c.1180G>A, p.Ala394Thr (NM_001282543.2); c.159-28082G>A (NM_001282548.2); c.215+16424G>A (NM_001282545.2); c.364+11660G>A (NM_001282549.2); short protein forms A394T, A413T.
Identifiers: ClinVar variation 1678795 (VCV001678795.5), dbSNP rs2106107923, ClinGen allele CA350453610.